The following is an entry in ClinVar:

ClinVar aggregate classification (germline): Likely pathogenic (1 of 4 stars; one submission).

Conditions:
SPTB-related disorder. Also called: SPTB-Related Disorders; SPTB-related condition.

Submission:

PreventionGenetics, part of Exact Sciences
Classification: Likely pathogenic for SPTB-related condition. Last evaluated: 2025-09-12. Review status: criteria provided, single submitter. Criteria: ACMG Guidelines, 2015. Collection method: clinical testing. Allele origin: germline.
Comment: The SPTB c.3562-1G>A variant is predicted to disrupt the AG splice acceptor site and interfere with normal splicing. To our knowledge, this variant has not been reported in the literature or in a large population database (gnomAD), indicating this variant is rare. Variants that disrupt the consensus splice acceptor site in SPTB are expected to be pathogenic. This variant is interpreted as likely pathogenic.

NM_001355436.2(SPTB):c.3562-1G>A

Gene: SPTB (spectrin beta, erythrocytic; minus strand). Cytogenetic location: 14q23.3.
Variant type: single nucleotide variant.
Coding change: c.3562-1G>A on transcript NM_001355436.2 (MANE Select); the canonical splice acceptor site of the intron before coding-DNA position 3562, G replaced by A.
Molecular consequence: splice acceptor variant.
Genome position (GRCh38, 1-based): chr14:64,785,952, C>T on the plus strand (G>A on the coding strand, the complement: SPTB is on the minus strand). VCF-style: chr14-64785952-C-T. GRCh37 (hg19) VCF-style: chr14-65252670-C-T.
Other names: c.3562-1G>A (NM_001024858.4, NM_001355437.2).
Identifiers: ClinVar variation 4991610 (VCV004991610.1).